The following is an entry in ClinVar:

NM_006269.2(RP1):c.4250T>C (p.Leu1417Pro)

Gene: RP1 (RP1 axonemal microtubule associated; plus strand). Cytogenetic location: 8q12.1.
Variant type: single nucleotide variant.
Coding change: c.4250T>C on transcript NM_006269.2 (MANE Select); coding-DNA position 4250, T replaced by C.
Protein change: p.Leu1417Pro; replaces leucine 1417 with proline.
Molecular consequence: missense variant. On other transcripts: intron variant (1).
Genome position (GRCh38, 1-based): chr8:54,628,132, T>C. VCF-style: chr8-54628132-T-C. GRCh37 (hg19) VCF-style: chr8-55540692-T-C.
Other names: c.787+5844T>C (NM_001375654.1); short protein forms L1417P.
Identifiers: ClinVar variation 912236 (VCV000912236.52), dbSNP rs139294220, ClinGen allele CA4751829.
Genomic context (GRCh38, chr8:54,628,132, plus strand): 5'-GCTCCTGTGGCCTTTGCCTAAGTGAAAAAGAAGCAGAACTTGATAAGAAACATAGTTCTC[T>C]AGATGATTTTGAAAATTGTTCACTAAGGAAGTTTCAGGATGAAAATGCATATACTTCCTT-3'
Protein context (NP_006260.1, residues 1407-1427): EAELDKKHSS[Leu1417Pro]DDFENCSLRK

ClinVar aggregate classification (germline): Conflicting classifications of pathogenicity. Review status: criteria provided, conflicting classifications (1 of 4 stars). 8 submissions from 8 submitters: Uncertain significance (1); Likely benign (3). 4 of the submissions do not count toward it. Last evaluated 2026-01-24.

Conditions:
RP1-related disorder. Also called: RP1-related condition.
Retinitis pigmentosa (RP). Identifiers: Orphanet 791, MedGen C0035334, MeSH D012174, MONDO:0019200, OMIM 268000. Inheritance: Autosomal dominant, autosomal recessive and X linked inheritance.

Allele frequency attached by ClinVar (database versions not stated): 1000 Genomes Project 30x 0.00078; 1000 Genomes Project 0.00080; ExAC 0.00117; gnomAD exomes 0.00139 and 0.00235; ESP Exome Variant Server 0.00146; TOPMed 0.00184; gnomAD 0.00200 and 0.00204.
gnomAD v4.1: 3,810 of 1,614,018 alleles (0.24%); highest among the groups gnomAD compares: Non-Finnish European, 0.28%; 8 homozygotes.

Submissions (8):

Labcorp Genetics (formerly Invitae), Labcorp
Classification: Likely benign. Last evaluated: 2026-01-24. Review status: criteria provided, single submitter. Criteria: Invitae Variant Classification Sherloc (09022015). Collection method: clinical testing. Allele origin: germline.

Blueprint Genetics
Classification: Likely benign. Last evaluated: 2024-11-08. Review status: criteria provided, single submitter. Criteria: ACMG Guidelines, 2015. Collection method: clinical testing. Allele origin: germline.

CeGaT Center for Human Genetics Tuebingen
Classification: Uncertain significance. Last evaluated: 2021-06-01. Review status: criteria provided, single submitter. Criteria: CeGaT Center For Human Genetics Tuebingen Variant Classification Criteria Version 2. Collection method: clinical testing. Allele origin: germline. Affected: yes. Observed: 1 variant allele.

Illumina Laboratory Services, Illumina
Classification: Likely benign for Retinitis pigmentosa. Last evaluated: 2018-01-13. Review status: criteria provided, single submitter. Criteria: ICSL Variant Classification Criteria 13 December 2019. Collection method: clinical testing. Allele origin: germline.
Comment: This variant was observed in the ICSL laboratory as part of a predisposition screen in an ostensibly healthy population. It had not been previously curated by ICSL or reported in the Human Gene Mutation Database (HGMD: prior to June 1st, 2018), and was therefore a candidate for classification through an automated scoring system. Utilizing variant allele frequency, disease prevalence and penetrance estimates, and inheritance mode, an automated score was calculated to assess if this variant is too frequent to cause the disease. Based on the score and internal cut-off values, a variant classified as likely benign is not then subjected to further curation. The score for this variant resulted in a classification of likely benign for this disease.

PreventionGenetics, part of Exact Sciences
Classification: Likely benign for RP1-related condition. Last evaluated: 2022-11-21. Review status: no assertion criteria provided. Collection method: clinical testing. Allele origin: germline. Not counted in ClinVar's aggregate classification.
Comment: This variant is classified as likely benign based on ACMG/AMP sequence variant interpretation guidelines (Richards et al. 2015 PMID: 25741868, with internal and published modifications).

Clinical Genetics DNA and cytogenetics Diagnostics Lab, Erasmus MC, Erasmus Medical Center
Classification: Likely benign. Review status: no assertion criteria provided. Collection method: clinical testing. Allele origin: germline. Affected: yes. Study: VKGL Data-share Consensus. Not counted in ClinVar's aggregate classification.

Clinical Genetics, Academic Medical Center
Classification: Likely benign. Review status: no assertion criteria provided. Collection method: clinical testing. Allele origin: germline. Affected: yes. Study: VKGL Data-share Consensus. Not counted in ClinVar's aggregate classification.

Department of Pathology and Laboratory Medicine, Sinai Health System
Classification: Uncertain significance. Review status: no assertion criteria provided. Collection method: clinical testing. Allele origin: unknown. Affected: yes. Study: The Canadian Open Genetics Repository (COGR). Not counted in ClinVar's aggregate classification.
Comment: The RP1 p.Leu1417Pro variant was identified in the literature in three patients with retinitis pigmentosa (Simpson_2010_ PMID:21147909; Berson_2001_PMID:11527933). The variant was identified in dbSNP (ID: rs139294220) but was not identified in ClinVar. The variant was identified in control databases in 383 of 281894 chromosomes at a frequency of 0.001359 increasing the likelihood this could be a low frequency benign variant (Genome Aggregation Database March 6, 2019, v2.1.1). The variant was observed in the following populations: European (non-Finnish) in 291 of 128722 chromosomes (freq: 0.002261), Latino in 47 of 35418 chromosomes (freq: 0.001327), Other in 8 of 7168 chromosomes (freq: 0.001116), Ashkenazi Jewish in 9 of 10352 chromosomes (freq: 0.000869), European (Finnish) in 19 of 25094 chromosomes (freq: 0.000757), African in 8 of 24592 chromosomes (freq: 0.000325) and South Asian in 1 of 30602 chromosomes (freq: 0.000033), but was not observed in the East Asian population. The p.Leu1417 residue is not conserved in mammals and computational analyses (PolyPhen-2, SIFT, AlignGVGD, BLOSUM, MutationTaster) provide inconsistent predictions regarding the impact to the protein; this information is not very predictive of pathogenicity. The variant occurs outside of the splicing consensus sequence and in silico or computational prediction software programs (SpliceSiteFinder, MaxEntScan, NNSPLICE, GeneSplicer) do not predict a difference in splicing. In summary, based on the above information the clinical significance of this variant cannot be determined with certainty at this time. This variant is classified as a variant of uncertain significance.